The following is an entry in ClinVar:

NM_024678.6(NARS2):c.343dup (p.Ile115fs)

Gene: NARS2 (asparaginyl-tRNA synthetase 2, mitochondrial; minus strand). Cytogenetic location: 11q14.1.
Variant type: Duplication.
Coding change: c.343dup on transcript NM_024678.6 (MANE Select); coding-DNA position 343, one base duplicated (A; older notation c.343dupA).
Protein change: p.Ile115fs; shifts the reading frame from isoleucine 115.
Molecular consequence: frameshift variant. On other transcripts: 5 prime UTR variant (6), non-coding transcript variant (4), intron variant (1).
Genome position (GRCh38, 1-based): chr11:78,568,661, T duplicated on the plus strand (A on the coding strand, the reverse complement: NARS2 is on the minus strand); the first of 6 consecutive T bases (chr11:78,568,661-78,568,666); duplicating any one gives the same sequence. VCF-style (leftmost placement, unchanged base first): chr11-78568660-A-AT. GRCh37 (hg19) VCF-style: chr11-78279706-A-AT.
Other names: c.-339dup (NM_001243251.2, NM_001425310.1, NM_001425313.1 and 1 more transcripts); c.343dup, p.Ile115fs (NM_001425299.1, NM_001425300.1, NM_001425301.1 and 7 more transcripts); c.-214dup (NM_001425311.1); c.-411dup (NM_001425312.1); c.142-2389dup (NM_001425308.1); short protein forms I115fs.
Identifiers: ClinVar variation 3653641 (VCV003653641.2).

ClinVar aggregate classification (germline): Pathogenic (1 of 4 stars; one submission).

Submission:

Labcorp Genetics (formerly Invitae), Labcorp
Classification: Pathogenic. Last evaluated: 2024-05-16. Review status: criteria provided, single submitter. Criteria: Invitae Variant Classification Sherloc (09022015). Collection method: clinical testing. Allele origin: germline.
Comment: This sequence change creates a premature translational stop signal (p.Ile115Asnfs*2) in the NARS2 gene. It is expected to result in an absent or disrupted protein product. Loss-of-function variants in NARS2 are known to be pathogenic (PMID: 25807530, 26402642). This variant is not present in population databases (gnomAD no frequency). This variant has not been reported in the literature in individuals affected with NARS2-related conditions. For these reasons, this variant has been classified as Pathogenic.

Literature cited by the submitters: PubMed 25807530; PubMed 26402642.